The following is an entry in ClinVar:

ClinVar aggregate classification (germline): Likely benign (1 of 4 stars; one submission).

gnomAD v4.1: 8 of 1,496,926 alleles (0.00053%); highest among the groups gnomAD compares: Non-Finnish European, 0.00062%; no homozygotes.

Submission:

CeGaT Center for Human Genetics Tuebingen
Classification: Likely benign. Last evaluated: 2025-10-01. Review status: criteria provided, single submitter. Criteria: CeGaT Center For Human Genetics Tuebingen Variant Classification Criteria Version 2. Collection method: clinical testing. Allele origin: germline. Affected: yes. Observed: 1 variant allele.
Comment: TTN: BP4, BP7

NM_001267550.2(TTN):c.72591C>T (p.Val24197=)

Genes: TTN (titin; minus strand), TTN-AS1 (TTN antisense RNA 1; plus strand). Cytogenetic location: 2q31.2.
Variant type: single nucleotide variant.
Coding change: c.72591C>T on transcript NM_001267550.2 (MANE Select); coding-DNA position 72591, C replaced by T.
Protein change: p.Val24197=; no amino-acid change (valine 24197 retained).
Molecular consequence: synonymous variant.
Genome position (GRCh38, 1-based): chr2:178,573,541, G>A on the plus strand (C>T on the coding strand, the complement: TTN is on the minus strand). VCF-style: chr2-178573541-G-A. GRCh37 (hg19) VCF-style: chr2-179438268-G-A.
Other names: c.67668C>T, p.Val22556= (NM_001256850.1); c.45396C>T, p.Val15132= (NM_003319.4); c.64887C>T, p.Val21629= (NM_133378.4); c.45771C>T, p.Val15257= (NM_133432.3); c.45972C>T, p.Val15324= (NM_133437.4).
Identifiers: ClinVar variation 4534441 (VCV004534441.6).